The following is an entry in ClinVar:

NM_000059.4(BRCA2):c.1486T>G (p.Ser496Ala)

Gene: BRCA2 (BRCA2 DNA repair associated; plus strand). Cytogenetic location: 13q13.1.
Variant type: single nucleotide variant.
Coding change: c.1486T>G on transcript NM_000059.4 (MANE Select); coding-DNA position 1486, T replaced by G.
Protein change: p.Ser496Ala; replaces serine 496 with alanine.
Molecular consequence: missense variant. On other transcripts: non-coding transcript variant (1), intron variant (1).
Genome position (GRCh38, 1-based): chr13:32,332,964, T>G. VCF-style: chr13-32332964-T-G. GRCh37 (hg19) VCF-style: chr13-32907101-T-G.
Other names: c.1486T>G, p.Ser496Ala (NM_001406719.1, NM_001406720.1, NM_001406721.1 and 1 more transcripts); c.424+1934T>G (NM_001406722.1); short protein forms S496A.
Identifiers: ClinVar variation 3825459 (VCV003825459.1).

ClinVar aggregate classification (germline): Uncertain significance (1 of 4 stars; one submission).

Conditions:
Hereditary cancer-predisposing syndrome. Also called: Hereditary neoplastic syndrome; Neoplastic Syndromes, Hereditary; Tumor predisposition; Hereditary Cancer Syndrome. Identifiers: Orphanet 140162, MedGen C0027672, MeSH D009386, MONDO:0015356.

Submission:

Ambry Genetics
Classification: Uncertain significance for Hereditary cancer-predisposing syndrome. Last evaluated: 2025-02-09. Review status: criteria provided, single submitter. Criteria: Ambry Variant Classification Scheme 2023. Collection method: clinical testing. Allele origin: germline.
Comment: The p.S496A variant (also known as c.1486T>G), located in coding exon 9 of the BRCA2 gene, results from a T to G substitution at nucleotide position 1486. The serine at codon 496 is replaced by alanine, an amino acid with similar properties. This amino acid position is conserved. In addition, this alteration is predicted to be tolerated by in silico analysis. Based on the available evidence, the clinical significance of this variant remains unclear.